The following is an entry in ClinVar:

ClinVar aggregate classification (germline): Uncertain significance. Review status: criteria provided, multiple submitters, no conflicts (2 of 4 stars). 2 submissions from 2 submitters: Uncertain significance (2). Last evaluated 2025-10-09.

Conditions:
Inborn genetic diseases. Identifiers: MedGen C0950123, MeSH D030342.

Allele frequency attached by ClinVar (database versions not stated): ESP Exome Variant Server 0.00008.
gnomAD v4.1: 36 of 1,612,998 alleles (0.0022%); highest among the groups gnomAD compares: South Asian, 0.0055%; no homozygotes.

Submissions (2):

Labcorp Genetics (formerly Invitae), Labcorp
Classification: Uncertain significance. Last evaluated: 2025-10-09. Review status: criteria provided, single submitter. Criteria: Invitae Variant Classification Sherloc (09022015). Collection method: clinical testing. Allele origin: germline.
Comment: This sequence change replaces alanine, which is neutral and non-polar, with threonine, which is neutral and polar, at codon 546 of the AP3D1 protein (p.Ala546Thr). This variant is present in population databases (rs370017663, gnomAD 0.008%). This variant has not been reported in the literature in individuals affected with AP3D1-related conditions. ClinVar contains an entry for this variant (Variation ID: 1898782). An algorithm developed to predict the effect of missense changes on protein structure and function (PolyPhen-2) suggests that this variant is likely to be tolerated. In summary, the available evidence is currently insufficient to determine the role of this variant in disease. Therefore, it has been classified as a Variant of Uncertain Significance.

Ambry Genetics
Classification: Uncertain significance for Inborn genetic diseases. Last evaluated: 2022-12-05. Review status: criteria provided, single submitter. Criteria: Ambry Variant Classification Scheme 2023. Collection method: clinical testing. Allele origin: germline.

NM_001261826.3(AP3D1):c.1636G>A (p.Ala546Thr)

Gene: AP3D1 (adaptor related protein complex 3 subunit delta 1; minus strand). Cytogenetic location: 19p13.3.
Variant type: single nucleotide variant.
Coding change: c.1636G>A on transcript NM_001261826.3 (MANE Select); coding-DNA position 1636, G replaced by A.
Protein change: p.Ala546Thr; replaces alanine 546 with threonine.
Molecular consequence: missense variant.
Genome position (GRCh38, 1-based): chr19:2,118,678, C>T on the plus strand (G>A on the coding strand, the complement: AP3D1 is on the minus strand). VCF-style: chr19-2118678-C-T. GRCh37 (hg19) VCF-style: chr19-2118677-C-T.
Other names: c.1636G>A, p.Ala546Thr (NM_001374799.1, NM_003938.8); short protein forms A546T.
Identifiers: ClinVar variation 1898782 (VCV001898782.6), dbSNP rs370017663, ClinGen allele CA9059261.
Genomic context (GRCh38, chr19:2,118,678, plus strand): 5'-GGTCTGCGCTCTGCACAAACTGGGGCAGCCGGTCCACCATGAGCTGGGTGACGGCCTGAG[C>T]GCCCTCTGCCTCCCCGGCCTGCTCCTTCTGCTGCAGGATGGAGGCGTAGAGCTTGACCAC-3'
Protein context (NP_001248755.1, residues 536-556): QKEQAGEAEG[Ala546Thr]QAVTQLMVDR